The following is an entry in ClinVar:

NM_000094.4(COL7A1):c.2497G>C (p.Gly833Arg)

Gene: COL7A1 (collagen type VII alpha 1 chain; minus strand). Cytogenetic location: 3p21.31.
Variant type: single nucleotide variant.
Coding change: c.2497G>C on transcript NM_000094.4 (MANE Select); coding-DNA position 2497, G replaced by C.
Protein change: p.Gly833Arg; replaces glycine 833 with arginine.
Molecular consequence: missense variant.
Genome position (GRCh38, 1-based): chr3:48,588,732, C>G on the plus strand (G>C on the coding strand, the complement: COL7A1 is on the minus strand). VCF-style: chr3-48588732-C-G. GRCh37 (hg19) VCF-style: chr3-48626165-C-G.
Other names: short protein forms G833R.
Identifiers: ClinVar variation 2101932 (VCV002101932.4), dbSNP rs143142534, ClinGen allele CA352719432.

ClinVar aggregate classification (germline): Uncertain significance (1 of 4 stars; one submission).

Submission:

Labcorp Genetics (formerly Invitae), Labcorp
Classification: Uncertain significance. Last evaluated: 2022-02-22. Review status: criteria provided, single submitter. Criteria: Invitae Variant Classification Sherloc (09022015). Collection method: clinical testing. Allele origin: germline.
Comment: This variant has not been reported in the literature in individuals affected with COL7A1-related conditions. In summary, the available evidence is currently insufficient to determine the role of this variant in disease. Therefore, it has been classified as a Variant of Uncertain Significance. Algorithms developed to predict the effect of sequence changes on RNA splicing suggest that this variant may create or strengthen a splice site. Algorithms developed to predict the effect of missense changes on protein structure and function are either unavailable or do not agree on the potential impact of this missense change (SIFT: "Tolerated"; PolyPhen-2: "Not Available"; Align-GVGD: "Class C0"). This variant is not present in population databases (gnomAD no frequency). This sequence change replaces glycine, which is neutral and non-polar, with arginine, which is basic and polar, at codon 833 of the COL7A1 protein (p.Gly833Arg).